The following is an entry in ClinVar:

NM_000843.4(GRM6):c.1665C>T (p.Cys555=)

Genes: GRM6 (glutamate metabotropic receptor 6; minus strand), ZNF454 (zinc finger protein 454; plus strand). Cytogenetic location: 5q35.3.
Variant type: single nucleotide variant.
Coding change: c.1665C>T on transcript NM_000843.4 (MANE Select); coding-DNA position 1665, C replaced by T.
Protein change: p.Cys555=; no amino-acid change (cysteine 555 retained).
Molecular consequence: synonymous variant.
Genome position (GRCh38, 1-based): chr5:178,986,589, G>A on the plus strand (C>T on the coding strand, the complement: GRM6 is on the minus strand). VCF-style: chr5-178986589-G-A. GRCh37 (hg19) VCF-style: chr5-178413590-G-A.
Identifiers: ClinVar variation 716636 (VCV000716636.13), dbSNP rs143631264, ClinGen allele CA3593962.

ClinVar aggregate classification (germline): Likely benign. Review status: criteria provided, multiple submitters, no conflicts (2 of 4 stars). 3 submissions from 3 submitters: Likely benign (2). 1 of the submissions does not count toward it. Last evaluated 2025-12-19.

Conditions:
GRM6-related disorder. Also called: GRM6-related condition.

Allele frequency attached by ClinVar (database versions not stated): gnomAD exomes 0.00023; ExAC 0.00027; TOPMed 0.00043; gnomAD 0.00051; ESP Exome Variant Server 0.00054; 1000 Genomes Project 0.00100; 1000 Genomes Project 30x 0.00125.
gnomAD v4.1: 385 of 1,605,986 alleles (0.024%); highest among the groups gnomAD compares: African/African-American, 0.049%; 1 homozygote.

Submissions (3):

Labcorp Genetics (formerly Invitae), Labcorp
Classification: Likely benign. Last evaluated: 2025-12-19. Review status: criteria provided, single submitter. Criteria: Invitae Variant Classification Sherloc (09022015). Collection method: clinical testing. Allele origin: germline.

Blueprint Genetics
Classification: Likely benign. Last evaluated: 2024-03-28. Review status: criteria provided, single submitter. Criteria: ACMG Guidelines, 2015. Collection method: clinical testing. Allele origin: germline.

PreventionGenetics, part of Exact Sciences
Classification: Likely benign for GRM6-related condition. Last evaluated: 2024-01-17. Review status: no assertion criteria provided. Collection method: clinical testing. Allele origin: germline. Not counted in ClinVar's aggregate classification.
Comment: This variant is classified as likely benign based on ACMG/AMP sequence variant interpretation guidelines (Richards et al. 2015 PMID: 25741868, with internal and published modifications).